The following is an entry in ClinVar:

ClinVar aggregate classification (germline): Uncertain significance (1 of 4 stars; one submission).

Conditions:
Fabry disease. Also called: ALPHA-GALACTOSIDASE A DEFICIENCY; ANDERSON-FABRY DISEASE; CERAMIDE TRIHEXOSIDASE DEFICIENCY; GLA DEFICIENCY; HEREDITARY DYSTOPIC LIPIDOSIS; Angiokeratoma corporis diffusum. Identifiers: Orphanet 324, MedGen C0002986, MONDO:0010526, OMIM 301500, HP:0001071. Disease mechanism: Fabry disease is due to inactivating mutations in the X-linked GLA gene resulting in deficiency of the enzyme Alpha Galactosidase-A., loss of function.

Submission:

Genomenon, Inc
Classification: Uncertain significance for Fabry disease. Last evaluated: 2026-09-08. Review status: criteria provided, single submitter. Criteria: Genomenon Sequence Variant Interpretation Standards - Updated. Collection method: curation. Allele origin: germline. Affected: yes.
Comment: GLA p.Lys213Met (c.638A>T) is a missense variant that changes the amino acid at codon 213 from Lysine to Methionine. This variant has been observed in at least one proband with clinical features consistent with Fabry disease (PMID:38374995;31649303;25933799;32198894). Functional or patient cell studies have been reported (PMID:32023956;36499585;31649303;31036492;32198894;27657681;23935525). Splicing studies have been reported (PMID:36499585). It is absent or not present at a significant frequency in gnomAD. In silico models predict that this variant is possibly or probably damaging. In conclusion, we classify GLA p.Lys213Met (c.638A>T) as a variant of uncertain significance.

Literature cited by the submitters: PubMed 38374995; PubMed 31649303; PubMed 25933799; PubMed 32198894; PubMed 32023956; PubMed 36499585; PubMed 31036492; PubMed 27657681; PubMed 23935525.

NM_000169.3(GLA):c.638A>T (p.Lys213Met)

Genes: GLA (galactosidase alpha; minus strand), RPL36A-HNRNPH2 (RPL36A-HNRNPH2 readthrough; plus strand). Cytogenetic location: Xq22.1.
Variant type: single nucleotide variant.
Coding change: c.638A>T on transcript NM_000169.3 (MANE Select); coding-DNA position 638, A replaced by T.
Protein change: p.Lys213Met; replaces lysine 213 with methionine.
Molecular consequence: missense variant. On other transcripts: non-coding transcript variant (2), intron variant (2).
Genome position (GRCh38, 1-based): chrX:101,400,667, T>A on the plus strand (A>T on the coding strand, the complement: GLA is on the minus strand). VCF-style: chrX-101400667-T-A. GRCh37 (hg19) VCF-style: chrX-100655655-T-A.
Other names: c.761A>T, p.Lys254Met (NM_001406747.1); c.638A>T, p.Lys213Met (NM_001406748.1); c.300+5210T>A (NM_001199973.2); c.177+8845T>A (NM_001199974.2); short protein forms K213M, K254M.
Identifiers: ClinVar variation 4087444 (VCV004087444.2), dbSNP rs869312149.